The following is an entry in ClinVar:

NM_001846.4(COL4A2):c.3578G>A (p.Arg1193His)

Gene: COL4A2 (collagen type IV alpha 2 chain; plus strand). Cytogenetic location: 13q34.
Variant type: single nucleotide variant.
Coding change: c.3578G>A on transcript NM_001846.4 (MANE Select); coding-DNA position 3578, G replaced by A.
Protein change: p.Arg1193His; replaces arginine 1193 with histidine.
Molecular consequence: missense variant.
Genome position (GRCh38, 1-based): chr13:110,493,226, G>A. VCF-style: chr13-110493226-G-A. GRCh37 (hg19) VCF-style: chr13-111145573-G-A.
Other names: short protein forms R1193H.
Identifiers: ClinVar variation 4882901 (VCV004882901.2).

ClinVar aggregate classification (germline): Uncertain significance (1 of 4 stars; one submission).

gnomAD v4.1: 24 of 1,614,136 alleles (0.0015%); highest among the groups gnomAD compares: African/African-American, 0.0067%; no homozygotes.

Submission:

Dasa
Classification: Uncertain significance. Last evaluated: 2025-03-28. Review status: criteria provided, single submitter. Criteria: DASA Assertion Criteria. Collection method: clinical testing. Allele origin: germline.
Comment: NM_001846.4(COL4A2):c.3578G>A (p.Arg1193His) is a missense variant that results in the substitution of arginine with histidine. This variant is rare in population databases. Computational prediction algorithms are consistent with a benign effect. The currently available literature and clinical evidence are not sufficient to establish a definitive association between this variant and the reported condition. Therefore, this variant is classified as a variant of uncertain significance.